The following is an entry in ClinVar:

NM_005198.5(CHKB):c.1111T>A (p.Leu371Met)

Genes: CHKB (choline kinase beta; minus strand), CHKB-CPT1B (CHKB-CPT1B readthrough (NMD candidate); minus strand). Cytogenetic location: 22q13.33.
Variant type: single nucleotide variant.
Coding change: c.1111T>A on transcript NM_005198.5 (MANE Select); coding-DNA position 1111, T replaced by A.
Protein change: p.Leu371Met; replaces leucine 371 with methionine.
Molecular consequence: missense variant. On other transcripts: non-coding transcript variant (1).
Genome position (GRCh38, 1-based): chr22:50,579,428, A>T on the plus strand (T>A on the coding strand, the complement: CHKB is on the minus strand). VCF-style: chr22-50579428-A-T. GRCh37 (hg19) VCF-style: chr22-51017857-A-T.
Other names: short protein forms L371M.
Identifiers: ClinVar variation 642440 (VCV000642440.7), dbSNP rs372078948, ClinGen allele CA10323492.
Genomic context (GRCh38, chr22:50,579,428, plus strand): 5'-GTGGCTGCTGCTGCTCCCCAGCCCCCCAGCTAGCATTCCCATCCCCAGGGTCACTTACCA[A>T]GTAACCAAATTCTATGGTGGACATGGATGCCTGGAGGATGGACCACAGACCCCAGAAGAA-3'
Protein context (NP_005189.2, residues 361-381): ASMSTIEFGY[Leu371Met]DYAQSRFQFY

ClinVar aggregate classification (germline): Uncertain significance. Review status: criteria provided, multiple submitters, no conflicts (2 of 4 stars). 2 submissions from 2 submitters: Uncertain significance (2). Last evaluated 2025-08-26.

Conditions:
Inborn genetic diseases. Identifiers: MedGen C0950123, MeSH D030342.
Megaconial type congenital muscular dystrophy (MDCMC). Also called: CHKB-Related Muscle Diseases; CHKB-Related Muscular Dystrophy; MUSCULAR DYSTROPHY, CONGENITAL, WITH MITOCHONDRIAL STRUCTURAL ABNORMALITIES. Identifiers: Orphanet 280671, MedGen C1865233, MONDO:0011246, OMIM 602541.

Allele frequency attached by ClinVar (database versions not stated): gnomAD exomes 0.00002; ExAC 0.00003; gnomAD 0.00003 and 0.00004; TOPMed 0.00003; ESP Exome Variant Server 0.00008.
gnomAD v4.1: 39 of 1,613,064 alleles (0.0024%); highest among the groups gnomAD compares: Non-Finnish European, 0.0031%; no homozygotes.

Submissions (2):

Ambry Genetics
Classification: Uncertain significance for Inborn genetic diseases. Last evaluated: 2025-08-26. Review status: criteria provided, single submitter. Criteria: Ambry Variant Classification Scheme 2023. Collection method: clinical testing. Allele origin: germline.

Labcorp Genetics (formerly Invitae), Labcorp
Classification: Uncertain significance for Megaconial type congenital muscular dystrophy. Last evaluated: 2022-08-23. Review status: criteria provided, single submitter. Criteria: Invitae Variant Classification Sherloc (09022015). Collection method: clinical testing. Allele origin: germline.
Comment: This sequence change replaces leucine, which is neutral and non-polar, with methionine, which is neutral and non-polar, at codon 371 of the CHKB protein (p.Leu371Met). This variant is present in population databases (rs372078948, gnomAD 0.006%). This variant has not been reported in the literature in individuals affected with CHKB-related conditions. ClinVar contains an entry for this variant (Variation ID: 642440). Algorithms developed to predict the effect of missense changes on protein structure and function output the following: SIFT: "Tolerated"; PolyPhen-2: "Benign"; Align-GVGD: "Class C0". The methionine amino acid residue is found in multiple mammalian species, which suggests that this missense change does not adversely affect protein function. In summary, the available evidence is currently insufficient to determine the role of this variant in disease. Therefore, it has been classified as a Variant of Uncertain Significance.